The following is an entry in ClinVar:

ClinVar aggregate classification (germline): Uncertain significance (1 of 4 stars; one submission).

Allele frequency attached by ClinVar (database versions not stated): TOPMed below 0.00001; ExAC 0.00001; gnomAD exomes 0.00001.
gnomAD v4.1: 11 of 1,613,846 alleles (0.00068%); highest among the groups gnomAD compares: Non-Finnish European, 0.00093%; no homozygotes.

Submission:

Labcorp Genetics (formerly Invitae), Labcorp
Classification: Uncertain significance. Last evaluated: 2022-07-11. Review status: criteria provided, single submitter. Criteria: Invitae Variant Classification Sherloc (09022015). Collection method: clinical testing. Allele origin: germline.
Comment: In summary, the available evidence is currently insufficient to determine the role of this variant in disease. Therefore, it has been classified as a Variant of Uncertain Significance. Algorithms developed to predict the effect of missense changes on protein structure and function are either unavailable or do not agree on the potential impact of this missense change (SIFT: "Deleterious"; PolyPhen-2: "Possibly Damaging"; Align-GVGD: "Class C0"). ClinVar contains an entry for this variant (Variation ID: 1396703). This missense change has been observed in individual(s) with retinitis pigmentosa (Invitae). This variant is present in population databases (rs770929980, gnomAD 0.002%). This sequence change replaces asparagine, which is neutral and polar, with lysine, which is basic and polar, at codon 1129 of the USH2A protein (p.Asn1129Lys).

NM_206933.4(USH2A):c.3387T>A (p.Asn1129Lys)

Genes: USH2A (usherin; minus strand), USH2A-AS1 (USH2A antisense RNA 1; plus strand). Cytogenetic location: 1q41.
Variant type: single nucleotide variant.
Coding change: c.3387T>A on transcript NM_206933.4 (MANE Select); coding-DNA position 3387, T replaced by A.
Protein change: p.Asn1129Lys; replaces asparagine 1129 with lysine.
Molecular consequence: missense variant.
Genome position (GRCh38, 1-based): chr1:216,200,051, A>T on the plus strand (T>A on the coding strand, the complement: USH2A is on the minus strand). VCF-style: chr1-216200051-A-T. GRCh37 (hg19) VCF-style: chr1-216373393-A-T.
Other names: c.3387T>A, p.Asn1129Lys (NM_007123.6); short protein forms N1129K.
Identifiers: ClinVar variation 1396703 (VCV001396703.6), dbSNP rs770929980, ClinGen allele CA1395997.
Genomic context (GRCh38, chr1:216,200,051, plus strand): 5'-CTCTGGGACCCCTGGTTTTGTCTTGTAAGTGACAGCTACACTCCTTGTTGAACCATGCAC[A>T]TTGGTGGTCTCAATGTAATAGGAATATTTGGTATATGGTAACAGGTCTGTGTCTAAGAAG-3'
Protein context (NP_996816.3, residues 1119-1139): TKYSYYIETT[Asn1129Lys]VHGSTRSVAV